The following is an entry in ClinVar:

NC_000011.9:g.(?_9801955)_(10064538_?)dup

Gene: SBF2 (SET binding factor 2; minus strand). Cytogenetic location: 11p15.4.
Variant type: Duplication.
Identifiers: ClinVar variation 1023953 (VCV001023953.6).

ClinVar aggregate classification (germline): Uncertain significance (1 of 4 stars; one submission).

Conditions:
Charcot-Marie-Tooth disease type 4. Also called: Charcot-Marie-Tooth disease, type IV; Charcot-Marie-Tooth, Type 4. Identifiers: Orphanet 64749, MedGen C4082197, MONDO:0018995.

Submission:

Labcorp Genetics (formerly Invitae), Labcorp
Classification: Uncertain significance for Charcot-Marie-Tooth disease type 4. Last evaluated: 2020-08-22. Review status: criteria provided, single submitter. Criteria: Invitae Variant Classification Sherloc (09022015). Collection method: clinical testing. Allele origin: germline.
Comment: In summary, the available evidence is currently insufficient to determine the role of this variant in disease. Therefore, it has been classified as a Variant of Uncertain Significance. Experimental studies and prediction algorithms are not available or were not evaluated, and the functional significance of this variant is currently unknown. This variant has not been reported in the literature in individuals with SBF2-related conditions. This variant results in a copy number gain of the genomic region encompassing exon(s) 3-40 of the SBF2 gene. The 5' boundary is likely confined to intron 2. The 3' end of this event is unknown as it extends beyond the assayed region for this gene and therefore may encompass additional genes. As the precise location of this event is unknown, it may be in tandem or it may be located elsewhere in the genome.